The following is an entry in ClinVar:

ClinVar aggregate classification (germline): Uncertain significance (1 of 4 stars; one submission).

Conditions:
Hereditary cancer-predisposing syndrome. Also called: Tumor predisposition; Neoplastic Syndromes, Hereditary; Hereditary neoplastic syndrome; Hereditary Cancer Syndrome. Identifiers: Orphanet 140162, MedGen C0027672, MeSH D009386, MONDO:0015356.

Submission:

Ambry Genetics
Classification: Uncertain significance for Hereditary cancer-predisposing syndrome. Last evaluated: 2025-07-28. Review status: criteria provided, single submitter. Criteria: Ambry Variant Classification Scheme 2023. Collection method: clinical testing. Allele origin: germline.
Comment: The c.3385_3386delTCinsGA variant (also known as p.S1129D), located in coding exon 15 of the MET gene, results from an in-frame deletion of TC and insertion of GA at nucleotide positions 3385 to 3386. This results in the substitution of the serine residue for an aspartic acid residue at codon 1129, an amino acid with similar properties. This amino acid position is highly conserved in available vertebrate species. In addition, the in silico prediction for this variant is inconclusive (Choi Y et al. PLoS ONE. 2012; 7(10):e46688). Based on the available evidence, the clinical significance of this variant remains unclear.

NM_000245.4(MET):c.3331_3332inv (p.Ser1111Asp)

Gene: MET (MET proto-oncogene, receptor tyrosine kinase; plus strand). Cytogenetic location: 7q31.2.
Variant type: Inversion.
Coding change: c.3331_3332inv on transcript NM_000245.4 (MANE Select).
Protein change: p.Ser1111Asp; replaces serine 1111 with aspartic acid.
Molecular consequence: missense variant.
Genome position: GRCh38 VCF-style: chr7-116777460-TC-GA. GRCh37 (hg19) VCF-style: chr7-116417514-TC-GA.
Other names: c.2041_2042inv, p.Ser681Asp (NM_001324402.2); c.3385_3386inv, p.Ser1129Asp (NM_001127500.3); c.3385_3386delTCinsGA (NM_001127500.1); short protein forms S1111D, S681D, S1129D.
Identifiers: ClinVar variation 4106766 (VCV004106766.1).
Genomic context (GRCh38, chr7:116,777,460, plus strand): 5'-TGTGTATATCATGGGACTTTGTTGGACAATGATGGCAAGAAAATTCACTGTGCTGTGAAA[TC>GA]CTTGAACAGTAAGTGGCATTTTATTTAACCATGGAGTATACTTTTGTGGTTTGCAACCTA-3'
Protein context (NP_000236.2, residues 1101-1121): DGKKIHCAVK[Ser1111Asp]LNRITDIGEV